The following is an entry in ClinVar:

ClinVar aggregate classification (germline): Likely benign. Review status: criteria provided, multiple submitters, no conflicts (2 of 4 stars). 7 submissions from 7 submitters: Likely benign (6). 1 of the submissions does not count toward it. Last evaluated 2026-02-04.

Conditions:
Ehlers-Danlos syndrome, type 4 (EDSVASC). Also called: Ehlers-Danlos syndrome vascular type; Ehlers Danlos syndrome, ecchymotic type; Ehlers Danlos syndrome, arterial type; Ehlers Danlos syndrome, Sack-Barabas type; Ehlers-Danlos Syndrome Type IV. Identifiers: Orphanet 286, MedGen C0268338, MONDO:0017314, OMIM 130050.
COL3A1-related disorder. Also called: COL3A1-related condition.
Familial thoracic aortic aneurysm and aortic dissection (TAAD). Also called: Thoracic aortic aneurysms and dissections. Identifiers: Orphanet 91387, MedGen C4707243, MONDO:0019625.

Allele frequency attached by ClinVar (database versions not stated): ExAC below 0.00001; TOPMed below 0.00001; gnomAD 0.00001; gnomAD exomes 0.00001.

Submissions (7):

Labcorp Genetics (formerly Invitae), Labcorp
Classification: Likely benign for Ehlers-Danlos syndrome, type 4. Last evaluated: 2026-02-04. Review status: criteria provided, single submitter. Criteria: Invitae Variant Classification Sherloc (09022015). Collection method: clinical testing. Allele origin: germline.

Ambry Genetics
Classification: Likely benign for Familial thoracic aortic aneurysm and aortic dissection. Last evaluated: 2024-07-01. Review status: criteria provided, single submitter. Criteria: Ambry Variant Classification Scheme 2023. Collection method: clinical testing. Allele origin: germline.

All of Us Research Program, National Institutes of Health
Classification: Likely benign for Ehlers-Danlos syndrome, type 4. Last evaluated: 2023-11-30. Review status: criteria provided, single submitter. Criteria: ACMG Guidelines, 2015. Collection method: clinical testing. Allele origin: germline. Inheritance: Autosomal dominant inheritance. Observed: 3 variant alleles, 3 heterozygotes.
Comment: This study involves interpretation of variants in research participants for the purpose of population health screening. Participant phenotype was not available at the time of variant classification. Additional details can be found in publication PMID: 35346344, PMCID: PMC8962531

Blueprint Genetics
Classification: Likely benign. Last evaluated: 2023-08-21. Review status: criteria provided, single submitter. Criteria: ACMG Guidelines, 2015. Collection method: clinical testing. Allele origin: germline.

Color Diagnostics, LLC DBA Color Health
Classification: Likely benign for Familial thoracic aortic aneurysm and aortic dissection. Last evaluated: 2018-07-29. Review status: criteria provided, single submitter. Criteria: ACMG Guidelines, 2015. Collection method: clinical testing. Allele origin: germline.

GeneDx
Classification: Likely benign. Last evaluated: 2017-10-18. Review status: criteria provided, single submitter. Criteria: GeneDx Variant Classification (06012015). Collection method: clinical testing. Allele origin: germline. Affected: yes.
Comment: This variant is considered likely benign or benign based on one or more of the following criteria: it is a conservative change, it occurs at a poorly conserved position in the protein, it is predicted to be benign by multiple in silico algorithms, and/or has population frequency not consistent with disease.

PreventionGenetics, part of Exact Sciences
Classification: Likely benign for COL3A1-related condition. Last evaluated: 2024-03-11. Review status: no assertion criteria provided. Collection method: clinical testing. Allele origin: germline. Not counted in ClinVar's aggregate classification.
Comment: This variant is classified as likely benign based on ACMG/AMP sequence variant interpretation guidelines (Richards et al. 2015 PMID: 25741868, with internal and published modifications).

NM_000090.4(COL3A1):c.2043T>C (p.Gly681=)

Gene: COL3A1 (collagen type III alpha 1 chain; plus strand). Cytogenetic location: 2q32.2.
Variant type: single nucleotide variant.
Coding change: c.2043T>C on transcript NM_000090.4 (MANE Select); coding-DNA position 2043, T replaced by C.
Protein change: p.Gly681=; no amino-acid change (glycine 681 retained).
Molecular consequence: synonymous variant.
Genome position (GRCh38, 1-based): chr2:188,999,305, T>C. VCF-style: chr2-188999305-T-C. GRCh37 (hg19) VCF-style: chr2-189864031-T-C.
Identifiers: ClinVar variation 508339 (VCV000508339.15), dbSNP rs768133491, ClinGen allele CA074954.
Genomic context (GRCh38, chr2:188,999,305, plus strand): 5'-TGGGTTGTCTAATATGGTTATTTACATATTTTTGTCACAGGGTGATGCTGGTGCCCCTGG[T>C]GAACGTGGACCTCCTGGATTGGCAGGGGCCCCAGGACTTAGAGGTGGAGCTGGTCCCCCT-3'
Protein context (NP_000081.2, residues 671-691): PGGKGDAGAP[Gly681=]ERGPPGLAGA